The following is an entry in ClinVar:

ClinVar aggregate classification (germline): Pathogenic (1 of 4 stars; one submission).

Conditions:
Ataxia-telangiectasia-like disorder (ATLD). Identifiers: MedGen C1858391, MONDO:0011457.

Submission:

Labcorp Genetics (formerly Invitae), Labcorp
Classification: Pathogenic for Ataxia-telangiectasia-like disorder. Last evaluated: 2023-08-02. Review status: criteria provided, single submitter. Criteria: Invitae Variant Classification Sherloc (09022015). Collection method: clinical testing. Allele origin: unknown.
Comment: For these reasons, this variant has been classified as Pathogenic. This variant has not been reported in the literature in individuals affected with MRE11-related conditions. This variant is a gross deletion of the genomic region encompassing exon(s) 4-7 of the MRE11 gene. This deletion is out-of-frame, and is expected to create a premature termination codon and result in an absent or disrupted protein product. Loss-of-function variants in MRE11 are known to be pathogenic (PMID: 23080121, 23912341).

Literature cited by the submitters: PubMed 23080121; PubMed 23912341.

NC_000011.9:g.(?_94209435)_(94219270_?)del

Gene: MRE11 (MRE11 homolog, double strand break repair nuclease; minus strand). Cytogenetic location: 11q21.
Variant type: Deletion.
Identifiers: ClinVar variation 3244641 (VCV003244641.1).